The following is an entry in ClinVar:

NM_032119.4(ADGRV1):c.18028T>C (p.Tyr6010His)

Gene: ADGRV1 (adhesion G protein-coupled receptor V1; plus strand). Cytogenetic location: 5q14.3.
Variant type: single nucleotide variant.
Coding change: c.18028T>C on transcript NM_032119.4 (MANE Select); coding-DNA position 18028, T replaced by C.
Protein change: p.Tyr6010His; replaces tyrosine 6010 with histidine.
Molecular consequence: missense variant. On other transcripts: non-coding transcript variant (1).
Genome position (GRCh38, 1-based): chr5:90,985,398, T>C. VCF-style: chr5-90985398-T-C. GRCh37 (hg19) VCF-style: chr5-90281215-T-C.
Other names: short protein forms Y6010H.
Identifiers: ClinVar variation 855021 (VCV000855021.8), dbSNP rs1780407470, ClinGen allele CA360429151.

ClinVar aggregate classification (germline): Uncertain significance. Review status: criteria provided, multiple submitters, no conflicts (2 of 4 stars). 2 submissions from 2 submitters: Uncertain significance (2). Last evaluated 2025-11-11.

Conditions:
ADGRV1-related disorder. Also called: ADGRV1-related condition; ADGRV1-related disorders.

Allele frequency attached by ClinVar (database versions not stated): gnomAD exomes 0.00001.
gnomAD v4.1: 13 of 1,613,808 alleles (0.00081%); highest among the groups gnomAD compares: Non-Finnish European, 0.001%; no homozygotes.

Submissions (2):

PreventionGenetics, part of Exact Sciences
Classification: Uncertain significance for ADGRV1-related condition. Last evaluated: 2025-11-11. Review status: criteria provided, single submitter. Criteria: ACMG Guidelines, 2015. Collection method: clinical testing. Allele origin: germline.
Comment: The ADGRV1 c.18028T>C variant is predicted to result in the amino acid substitution p.Tyr6010His. To our knowledge, this variant has not been reported in the literature or in a large population database (gnomAD), indicating this variant is rare. At this time, the clinical significance of this variant is uncertain due to the absence of conclusive functional and genetic evidence.

Labcorp Genetics (formerly Invitae), Labcorp
Classification: Uncertain significance. Last evaluated: 2022-06-13. Review status: criteria provided, single submitter. Criteria: Invitae Variant Classification Sherloc (09022015). Collection method: clinical testing. Allele origin: germline.
Comment: This sequence change replaces tyrosine, which is neutral and polar, with histidine, which is basic and polar, at codon 6010 of the ADGRV1 protein (p.Tyr6010His). This variant is not present in population databases (gnomAD no frequency). This variant has not been reported in the literature in individuals affected with ADGRV1-related conditions. ClinVar contains an entry for this variant (Variation ID: 855021). Algorithms developed to predict the effect of missense changes on protein structure and function output the following: SIFT: "Tolerated"; PolyPhen-2: "Probably Damaging"; Align-GVGD: "Class C0". The histidine amino acid residue is found in multiple mammalian species, which suggests that this missense change does not adversely affect protein function. In summary, the available evidence is currently insufficient to determine the role of this variant in disease. Therefore, it has been classified as a Variant of Uncertain Significance.